The following is an entry in ClinVar:

ClinVar aggregate classification (germline): Uncertain significance (1 of 4 stars; one submission).

Conditions:
Familial hemophagocytic lymphohistiocytosis 5. Also called: STXBP2-Related Familial Hemophagocytic Lymphohistiocytosis (STXBP2-fHLH). Identifiers: Orphanet 540, MedGen C2751293, MONDO:0013135, OMIM 613101.

gnomAD v4.1: 1 of 1,613,778 alleles (0.000062%); highest among the groups gnomAD compares: Non-Finnish European, 0.000085%; no homozygotes.

Submission:

Labcorp Genetics (formerly Invitae), Labcorp
Classification: Uncertain significance for Familial hemophagocytic lymphohistiocytosis 5. Last evaluated: 2022-01-17. Review status: criteria provided, single submitter. Criteria: Invitae Variant Classification Sherloc (09022015). Collection method: clinical testing. Allele origin: germline.
Comment: This sequence change replaces proline, which is neutral and non-polar, with alanine, which is neutral and non-polar, at codon 391 of the STXBP2 protein (p.Pro391Ala). In summary, the available evidence is currently insufficient to determine the role of this variant in disease. Therefore, it has been classified as a Variant of Uncertain Significance. Algorithms developed to predict the effect of missense changes on protein structure and function (SIFT, PolyPhen-2, Align-GVGD) all suggest that this variant is likely to be disruptive. This variant has not been reported in the literature in individuals affected with STXBP2-related conditions. This variant is not present in population databases (gnomAD no frequency).

NM_006949.4(STXBP2):c.1171C>G (p.Pro391Ala)

Gene: STXBP2 (syntaxin binding protein 2; plus strand). Cytogenetic location: 19p13.2.
Variant type: single nucleotide variant.
Coding change: c.1171C>G on transcript NM_006949.4 (MANE Select); coding-DNA position 1171, C replaced by G.
Protein change: p.Pro391Ala; replaces proline 391 with alanine.
Molecular consequence: missense variant. On other transcripts: non-coding transcript variant (1).
Genome position (GRCh38, 1-based): chr19:7,644,677, C>G. VCF-style: chr19-7644677-C-G. GRCh37 (hg19) VCF-style: chr19-7709563-C-G.
Other names: c.1162C>G, p.Pro388Ala (NM_001127396.3); c.1204C>G, p.Pro402Ala (NM_001272034.2); c.1075C>G, p.Pro359Ala (NM_001414484.1); short protein forms P402A, P391A, P359A, P388A.
Identifiers: ClinVar variation 2171183 (VCV002171183.4), dbSNP rs1724584377, ClinGen allele CA403161122.